The following is an entry in ClinVar:

ClinVar aggregate classification (germline): Uncertain significance (1 of 4 stars; one submission).

Submission:

Labcorp Genetics (formerly Invitae), Labcorp
Classification: Uncertain significance. Last evaluated: 2021-09-09. Review status: criteria provided, single submitter. Criteria: Invitae Variant Classification Sherloc (09022015). Collection method: clinical testing. Allele origin: germline.
Comment: In summary, the available evidence is currently insufficient to determine the role of this variant in disease. Therefore, it has been classified as a Variant of Uncertain Significance. Algorithms developed to predict the effect of sequence changes on RNA splicing suggest that this variant may create or strengthen a splice site. This variant has not been reported in the literature in individuals affected with RDH5-related conditions. This variant is not present in population databases (ExAC no frequency). This variant, c.347_348insCAG, results in the insertion of 1 amino acid(s) to the RDH5 protein (p.Gly116_Ile117insSer), but otherwise preserves the integrity of the reading frame.

NM_002905.5(RDH5):c.347_348insCAG (p.Gly116_Ile117insSer)

Genes: BLOC1S1-RDH5 (BLOC1S1-RDH5 readthrough; plus strand), RDH5 (retinol dehydrogenase 5; plus strand). Cytogenetic location: 12q13.2.
Variant type: Insertion.
Coding change: c.347_348insCAG on transcript NM_002905.5 (MANE Select); coding-DNA positions 347 to 348, CAG inserted.
Protein change: p.Gly116_Ile117insSer.
Molecular consequence: inframe insertion. On other transcripts: non-coding transcript variant (1).
Genome position: GRCh38 VCF-style: chr12-55721724-G-GGCA. GRCh37 (hg19) VCF-style: chr12-56115508-G-GGCA.
Other names: c.347_348insCAG, p.Gly116_Ile117insSer (NM_001199771.3).
Identifiers: ClinVar variation 1380393 (VCV001380393.6), dbSNP rs2136139489, ClinGen allele CA2499306934.